The following is an entry in ClinVar:

NM_017721.5(CC2D1A):c.1000A>T (p.Thr334Ser)

Gene: CC2D1A (coiled-coil and C2 domain containing 1A; plus strand). Cytogenetic location: 19p13.12.
Variant type: single nucleotide variant.
Coding change: c.1000A>T on transcript NM_017721.5 (MANE Select); coding-DNA position 1000, A replaced by T.
Protein change: p.Thr334Ser; replaces threonine 334 with serine.
Molecular consequence: missense variant.
Genome position (GRCh38, 1-based): chr19:13,918,799, A>T. VCF-style: chr19-13918799-A-T. GRCh37 (hg19) VCF-style: chr19-14029612-A-T.
Other names: c.1000A>T, p.Thr334Ser (NM_001411138.1); short protein forms T334S.
Identifiers: ClinVar variation 1736193 (VCV001736193.2), dbSNP rs2513093177, ClinGen allele CA404382441.
Genomic context (GRCh38, chr19:13,918,799, plus strand): 5'-TCCCCAGACCAGCTGCCCCCAGACCCACCGTCACCACCGTCGCAGCCTCCGACCCCCGCT[A>T]CGGCGCCCTCCACAACAGGTAGGTTCTGGGACCCTCTGGGGTTGGGGGCAGGCTGGAGCC-3'
Protein context (NP_060191.3, residues 324-344): SPPSQPPTPA[Thr334Ser]APSTTEVPPP

ClinVar aggregate classification (germline): Uncertain significance (1 of 4 stars; one submission).

Conditions:
Inborn genetic diseases. Identifiers: MedGen C0950123, MeSH D030342.

Submission:

Ambry Genetics
Classification: Uncertain significance for Inborn genetic diseases. Last evaluated: 2018-02-16. Review status: criteria provided, single submitter. Criteria: Ambry Variant Classification Scheme 2023. Collection method: clinical testing. Allele origin: germline.
Comment: The p.T334S variant (also known as c.1000A>T), located in coding exon 9 of the CC2D1A gene, results from an A to T substitution at nucleotide position 1000. The threonine at codon 334 is replaced by serine, an amino acid with similar properties. This amino acid position is poorly conserved in available vertebrate species. In addition, this alteration is predicted to be tolerated by in silico analysis. Since supporting evidence is limited at this time, the clinical significance of this alteration remains unclear.